The following is an entry in ClinVar:

ClinVar aggregate classification (germline): Uncertain significance. Review status: criteria provided, multiple submitters, no conflicts (2 of 4 stars). 2 submissions from 2 submitters: Uncertain significance (2). Last evaluated 2025-09-12.

Conditions:
Juvenile polyposis syndrome (JPS). Identifiers: Orphanet 2929, MedGen C0345893, MONDO:0017380, OMIM 174900.
Hereditary cancer-predisposing syndrome. Also called: Neoplastic Syndromes, Hereditary; Hereditary Cancer Syndrome; Hereditary neoplastic syndrome; Tumor predisposition. Identifiers: Orphanet 140162, MedGen C0027672, MeSH D009386, MONDO:0015356.

Allele frequency attached by ClinVar (database versions not stated): gnomAD 0.00001; TOPMed 0.00001.
gnomAD v4.1: 1 of 1,614,004 alleles (0.000062%); highest among the groups gnomAD compares: African/African-American, 0.0013%; no homozygotes.

Submissions (2):

Ambry Genetics
Classification: Uncertain significance for Hereditary cancer-predisposing syndrome. Last evaluated: 2025-09-12. Review status: criteria provided, single submitter. Criteria: Ambry Variant Classification Scheme 2023. Collection method: clinical testing. Allele origin: germline.
Comment: The p.L56F variant (also known as c.168G>C), located in coding exon 2 of the BMPR1A gene, results from a G to C substitution at nucleotide position 168. The leucine at codon 56 is replaced by phenylalanine, an amino acid with highly similar properties. This amino acid position is well conserved in available vertebrate species. In addition, this alteration is predicted to be tolerated by in silico analysis. Based on the available evidence, the clinical significance of this variant remains unclear.

Labcorp Genetics (formerly Invitae), Labcorp
Classification: Uncertain significance for Juvenile polyposis syndrome. Last evaluated: 2025-09-07. Review status: criteria provided, single submitter. Criteria: Invitae Variant Classification Sherloc (09022015). Collection method: clinical testing. Allele origin: germline.
Comment: This sequence change replaces leucine, which is neutral and non-polar, with phenylalanine, which is neutral and non-polar, at codon 56 of the BMPR1A protein (p.Leu56Phe). This variant is not present in population databases (gnomAD no frequency). This variant has not been reported in the literature in individuals affected with BMPR1A-related conditions. ClinVar contains an entry for this variant (Variation ID: 640281). Invitae Evidence Modeling incorporating data from in vitro experimental studies (internal data) indicates that this missense variant is not expected to disrupt BMPR1A function with a negative predictive value of 95%. In summary, the available evidence is currently insufficient to determine the role of this variant in disease. Therefore, it has been classified as a Variant of Uncertain Significance.

NM_004329.3(BMPR1A):c.168G>C (p.Leu56Phe)

Gene: BMPR1A (bone morphogenetic protein receptor type 1A; plus strand). Cytogenetic location: 10q23.2.
Variant type: single nucleotide variant.
Coding change: c.168G>C on transcript NM_004329.3 (MANE Select); coding-DNA position 168, G replaced by C.
Protein change: p.Leu56Phe; replaces leucine 56 with phenylalanine.
Molecular consequence: missense variant.
Genome position (GRCh38, 1-based): chr10:86,890,162, G>C. VCF-style: chr10-86890162-G-C. GRCh37 (hg19) VCF-style: chr10-88649919-G-C.
Other names: short protein forms L56F.
Identifiers: ClinVar variation 640281 (VCV000640281.13), dbSNP rs1589763414, ClinGen allele CA377446806.